The following is an entry in ClinVar:

ClinVar aggregate classification (germline): Likely benign (1 of 4 stars; one submission).

gnomAD v4.1: 12 of 1,613,940 alleles (0.00074%); highest among the groups gnomAD compares: South Asian, 0.0066%; no homozygotes.

Submission:

CeGaT Center for Human Genetics Tuebingen
Classification: Likely benign. Last evaluated: 2024-09-01. Review status: criteria provided, single submitter. Criteria: CeGaT Center For Human Genetics Tuebingen Variant Classification Criteria Version 2. Collection method: clinical testing. Allele origin: germline. Affected: yes. Observed: 1 variant allele.
Comment: PTPRS: BP4, BP7

NM_002850.4(PTPRS):c.2424G>A (p.Thr808=)

Gene: PTPRS (protein tyrosine phosphatase receptor type S; minus strand). Cytogenetic location: 19p13.3.
Variant type: single nucleotide variant.
Coding change: c.2424G>A on transcript NM_002850.4 (MANE Select); coding-DNA position 2424, G replaced by A.
Protein change: p.Thr808=; no amino-acid change (threonine 808 retained).
Molecular consequence: synonymous variant. On other transcripts: intron variant (2).
Genome position (GRCh38, 1-based): chr19:5,225,797, C>T on the plus strand (G>A on the coding strand, the complement: PTPRS is on the minus strand). VCF-style: chr19-5225797-C-T. GRCh37 (hg19) VCF-style: chr19-5225808-C-T.
Other names: c.2358G>A, p.Thr786= (NM_001394011.1, NM_001394013.1, NM_130854.3); c.2385G>A, p.Thr795= (NM_001394012.1); c.1811-3577G>A (NM_130853.3); c.1823-3577G>A (NM_130855.3).
Identifiers: ClinVar variation 3388640 (VCV003388640.14).
Genomic context (GRCh38, chr19:5,225,797, plus strand): 5'-GGTCACAACCACCTTGGGTTTGCTGCGAGCGCCATCGCCCTTCATGGTGTAGGCGGCTAC[C>T]GTGATGGAGTACGCGGTCTCAGGCTGCAAGTTTGTGATGACCATCTCCTGCAGGCACGGC-3'
Protein context (NP_002841.3, residues 798-818): NLQPETAYSI[Thr808=]VAAYTMKGDG